The following is an entry in ClinVar:

NM_001080.3(ALDH5A1):c.371T>G (p.Leu124Arg)

Gene: ALDH5A1 (aldehyde dehydrogenase 5 family member A1; plus strand). Cytogenetic location: 6p22.3.
Variant type: single nucleotide variant.
Coding change: c.371T>G on transcript NM_001080.3 (MANE Select); coding-DNA position 371, T replaced by G.
Protein change: p.Leu124Arg; replaces leucine 124 with arginine.
Molecular consequence: missense variant.
Genome position (GRCh38, 1-based): chr6:24,502,539, T>G. VCF-style: chr6-24502539-T-G. GRCh37 (hg19) VCF-style: chr6-24502767-T-G.
Other names: c.371T>G, p.Leu124Arg (NM_001368954.1, NM_170740.1); short protein forms L124R.
Identifiers: ClinVar variation 1878438 (VCV001878438.4), dbSNP rs2532830876, ClinGen allele CA362969052.

ClinVar aggregate classification (germline): Likely pathogenic (1 of 4 stars; one submission).

Conditions:
Succinate-semialdehyde dehydrogenase deficiency (SSADHD). Also called: Succinic Semialdehyde Dehydrogenase Deficiency; SSADH DEFICIENCY; 4-HYDROXYBUTYRIC ACIDURIA; GABA METABOLIC DEFECT. Identifiers: Orphanet 22, MedGen C0268631, MONDO:0010083, OMIM 271980.

Submission:

Elsea Laboratory, Baylor College of Medicine
Classification: Likely pathogenic for Succinate-semialdehyde dehydrogenase deficiency. Last evaluated: 2021-03-08. Review status: criteria provided, single submitter. Criteria: Martin et al. (J Child Neurol. 2021). Collection method: curation. Allele origin: germline. Affected: yes.
Comment: deficient enzyme activity; NAD binding domain

Literature cited by the submitters: PubMed 33203024; PubMed 32402538.